The following is an entry in ClinVar:

NM_000059.4(BRCA2):c.6401del (p.Asn2134fs)

Gene: BRCA2 (BRCA2 DNA repair associated; plus strand). Cytogenetic location: 13q13.1.
Variant type: Deletion.
Coding change: c.6401del on transcript NM_000059.4 (MANE Select); coding-DNA position 6401, one base deleted (A; older notation c.6401delA).
Protein change: p.Asn2134fs; shifts the reading frame from asparagine 2134.
Molecular consequence: frameshift variant. On other transcripts: non-coding transcript variant (1), intron variant (2).
Genome position (GRCh38, 1-based): chr13:32,340,756, A deleted; the last of 3 consecutive A bases (chr13:32,340,754-32,340,756); deleting any one gives the same sequence. VCF-style (leftmost placement, unchanged base first): chr13-32340753-CA-C. GRCh37 (hg19) VCF-style: chr13-32914890-CA-C.
Other names: c.6401del, p.Asn2134fs (NM_001406719.1, NM_001406720.1); c.1910-3802del (NM_001406721.1); c.425-3802del (NM_001406722.1); short protein forms N2134fs.
Identifiers: ClinVar variation 2825992 (VCV002825992.3), dbSNP rs2548533201, ClinGen allele CA2739277515.

ClinVar aggregate classification (germline): Pathogenic (1 of 4 stars; one submission).

Conditions:
Hereditary breast ovarian cancer syndrome. Also called: Hereditary breast and/or ovarian cancer syndrome; Hereditary breast and ovarian cancer; Hereditary breast and ovarian cancer syndrome; Breast and ovarian cancer; Hereditary breast and ovarian cancer syndrome (HBOC); BRCA1- and BRCA2-Associated Hereditary Breast and Ovarian Cancer. Identifiers: Orphanet 145, MedGen C0677776, MeSH D061325, MONDO:0003582. Disease mechanism: loss of function.

Submission:

Labcorp Genetics (formerly Invitae), Labcorp
Classification: Pathogenic for Hereditary breast ovarian cancer syndrome. Last evaluated: 2023-01-02. Review status: criteria provided, single submitter. Criteria: Invitae Variant Classification Sherloc (09022015). Collection method: clinical testing. Allele origin: germline.
Comment: This sequence change creates a premature translational stop signal (p.Asn2134Ilefs*3) in the BRCA2 gene. It is expected to result in an absent or disrupted protein product. Loss-of-function variants in BRCA2 are known to be pathogenic (PMID: 20104584). This variant is not present in population databases (gnomAD no frequency). This variant has not been reported in the literature in individuals affected with BRCA2-related conditions. For these reasons, this variant has been classified as Pathogenic.

Literature cited by the submitters: PubMed 20104584.